The following is an entry in ClinVar:

ClinVar aggregate classification (germline): Uncertain significance (1 of 4 stars; one submission).

Submission:

Labcorp Genetics (formerly Invitae), Labcorp
Classification: Uncertain significance. Last evaluated: 2023-04-26. Review status: criteria provided, single submitter. Criteria: Invitae Variant Classification Sherloc (09022015). Collection method: clinical testing. Allele origin: germline.
Comment: This variant is not present in population databases (gnomAD no frequency). In summary, the available evidence is currently insufficient to determine the role of this variant in disease. Therefore, it has been classified as a Variant of Uncertain Significance. Advanced modeling of protein sequence and biophysical properties (such as structural, functional, and spatial information, amino acid conservation, physicochemical variation, residue mobility, and thermodynamic stability) has been performed at Invitae for this missense variant, however the output from this modeling did not meet the statistical confidence thresholds required to predict the impact of this variant on MATN3 protein function. ClinVar contains an entry for this variant (Variation ID: 1004236). This variant has not been reported in the literature in individuals affected with MATN3-related conditions. This sequence change replaces aspartic acid, which is acidic and polar, with valine, which is neutral and non-polar, at codon 111 of the MATN3 protein (p.Asp111Val).

NM_002381.5(MATN3):c.332A>T (p.Asp111Val)

Gene: MATN3 (matrilin 3; minus strand). Cytogenetic location: 2p24.1.
Variant type: single nucleotide variant.
Coding change: c.332A>T on transcript NM_002381.5 (MANE Select); coding-DNA position 332, A replaced by T.
Protein change: p.Asp111Val; replaces aspartic acid 111 with valine.
Molecular consequence: missense variant.
Genome position (GRCh38, 1-based): chr2:20,006,202, T>A on the plus strand (A>T on the coding strand, the complement: MATN3 is on the minus strand). VCF-style: chr2-20006202-T-A. GRCh37 (hg19) VCF-style: chr2-20205963-T-A.
Other names: short protein forms D111V.
Identifiers: ClinVar variation 1004236 (VCV001004236.10), dbSNP rs1673104196, ClinGen allele CA345951310.